The following is an entry in ClinVar:

ClinVar aggregate classification (germline): Uncertain significance. Review status: criteria provided, multiple submitters, no conflicts (2 of 4 stars). 3 submissions from 3 submitters: Uncertain significance (3). Last evaluated 2025-01-10.

Conditions:
Dominant beta-thalassemia. Also called: Beta-thalassemia, dominant inclusion body type. Identifiers: Orphanet 231226, Orphanet 848, MedGen C1858990, MONDO:0011381, OMIM 603902.
Erythrocytosis, familial, 6. Also called: ERYTHROCYTOSIS, BETA-GLOBIN TYPE; POLYCYTHEMIA, BETA-GLOBIN TYPE. Identifiers: MedGen C4693822, MONDO:0054801, OMIM 617980.
Hb SS disease (SCD). Also called: Hemoglobin SS; Sickle cell anemia; Sickle cell disease; HbS disease; Hemoglobin S Disease; Sickling disorder due to hemoglobin S. Identifiers: Orphanet 232, Orphanet 275752, MedGen C0002895, MONDO:0011382, OMIM 603903.
Heinz body anemia. Also called: Heinz body hemolytic anemia. Identifiers: Orphanet 178330, MedGen C0700299, MONDO:0007705, OMIM 140700, HP:0005511.
alpha Thalassemia. Also called: Alpha thalassemia spectrum. Identifiers: Orphanet 846, MedGen C0002312, MONDO:0011399, OMIM 604131.
METHEMOGLOBINEMIA, BETA TYPE. Also called: Methemoglobinemia, beta-globin type. Identifiers: MedGen C1840779, OMIM 617971.
Hereditary persistence of fetal hemoglobin. Identifiers: MedGen C0019025, MONDO:0020989, OMIM 141749.
Malaria, susceptibility to. Identifiers: Orphanet 673, MedGen C1970028, MONDO:0021024, OMIM 611162.
Beta-thalassemia HBB/LCRB. Identifiers: MedGen CN322236, MONDO:0013517, OMIM 613985.

Allele frequency attached by ClinVar (database versions not stated): gnomAD 0.00001; gnomAD exomes 0.00002; TOPMed 0.00002.

Submissions (3):

Women's Health and Genetics/Laboratory Corporation of America, LabCorp
Classification: Uncertain significance. Last evaluated: 2025-01-10. Review status: criteria provided, single submitter. Criteria: LabCorp Variant Classification Summary - May 2015. Collection method: clinical testing. Allele origin: germline.
Comment: Variant summary: HBB c.*62A>G is located in the untranslated mRNA region downstream of the termination codon. The variant was absent in 251040 control chromosomes. The available data on variant occurrences in the general population are insufficient to allow any conclusion about variant significance. c.*62A>G has been reported in the literature in at least one homozygous individual affected with Hemoglobinopathy; the individual was found to display fatigue, pallor, and hepatosplenomegaly as well as low Hb indices similar to those observed in silent beta-thalassemia (Arpaci_2021). However, an individual homozygous for this variant has also been reported in the literature as "clinically normal" (Kacmaz_2024).These reports do not provide unequivocal conclusions about association of the variant with Hemoglobinopathy. To our knowledge, no experimental evidence demonstrating an impact on protein function has been reported. The following publications have been ascertained in the context of this evaluation (PMID: 32672086, 33851260, 38708170, DOI: 10.17826/cumj.1394315). ClinVar contains an entry for this variant (Variation ID: 495969). Based on the evidence outlined above, the variant was classified as uncertain significance.

Quest Diagnostics Nichols Institute San Juan Capistrano
Classification: Uncertain significance. Last evaluated: 2024-01-22. Review status: criteria provided, single submitter. Criteria: Quest Diagnostics criteria. Collection method: clinical testing. Allele origin: unknown.
Comment: The HBB c.*62A>G variant has been reported in the published literature in a heterozygous and homozygous state in individuals affected with beta(+) thalassemia (PMID: 33851260 (2021)) and in another heterozygous individual with the -alpha4.2/-alpha4.2 genotype (PMID: 32672086 (2020)). The frequency of this variant in the general population, 0.000013 (2/152212 chromosomes (Genome Aggregation Database)), is uninformative in the assessment of its pathogenicity. Analysis of this variant using software algorithms for the prediction of the effect of nucleotide changes on splicing yielded predictions that this variant does not affect HBB mRNA splicing. Based on the available information, we are unable to determine the clinical significance of this variant.

Fulgent Genetics
Classification: Uncertain significance for Heinz body anemia; Hereditary persistence of fetal hemoglobin; Dominant beta-thalassemia; Hb SS disease; alpha Thalassemia; Malaria, susceptibility to; Beta-thalassemia HBB/LCRB; METHEMOGLOBINEMIA, BETA TYPE; Erythrocytosis, familial, 6. Last evaluated: 2022-02-09. Review status: criteria provided, single submitter. Criteria: ACMG Guidelines, 2015. Collection method: clinical testing. Allele origin: unknown.

Literature cited by the submitters: PubMed 32672086 (cited by Women's Health and Genetics/Laboratory Corporation of America, LabCorp and Quest Diagnostics Nichols Institute San Juan Capistrano); PubMed 33851260 (cited by Women's Health and Genetics/Laboratory Corporation of America, LabCorp and Quest Diagnostics Nichols Institute San Juan Capistrano); PubMed 38708170 (cited by Women's Health and Genetics/Laboratory Corporation of America, LabCorp).

NM_000518.5(HBB):c.*62A>G

Genes: HBB (hemoglobin subunit beta; minus strand), LOC107133510 (origin of replication at HBB; plus strand), LOC110006319 (beta-globin gene 3' regulatory region; plus strand). Cytogenetic location: 11p15.4.
Variant type: single nucleotide variant.
Coding change: c.*62A>G on transcript NM_000518.5 (MANE Select); 62 bases downstream of the stop codon, A replaced by G.
Molecular consequence: 3 prime UTR variant.
Genome position (GRCh38, 1-based): chr11:5,225,536, T>C on the plus strand (A>G on the coding strand, the complement: HBB is on the minus strand). VCF-style: chr11-5225536-T-C. GRCh37 (hg19) VCF-style: chr11-5246766-T-C.
Identifiers: ClinVar variation 495969 (VCV000495969.9), dbSNP rs1046868746, ClinGen allele CA217112121.
Genomic context (GRCh38, chr11:5,225,536, plus strand): 5'-TAAATGTTTTTTATTAGGCAGAATCCAGATGCTCAAGGCCCTTCATAATATCCCCCAGTT[T>C]AGTAGTTGGACTTAGGGAACAAAGGAACCTTTAATAGAAATTGGACAGCAAGAAAGCGAG-3'